The following is an entry in ClinVar:

ClinVar aggregate classification (germline): Uncertain significance. Review status: criteria provided, multiple submitters, no conflicts (2 of 4 stars). 3 submissions from 3 submitters: Uncertain significance (3). Last evaluated 2023-10-23.

Conditions:
Inborn genetic diseases. Identifiers: MedGen C0950123, MeSH D030342.
Nemaline myopathy 2 (NEM2). Also called: Nemaline myopathy 2, autosomal recessive. Identifiers: MedGen C1850569, MONDO:0009725, OMIM 256030.

Allele frequency attached by ClinVar (database versions not stated): TOPMed 0.00002; gnomAD 0.00005.
gnomAD v4.1: 24 of 1,601,402 alleles (0.0015%); highest among the groups gnomAD compares: Non-Finnish European, 0.0019%; no homozygotes.

Submissions (3):

Revvity Omics, Revvity
Classification: Uncertain significance. Last evaluated: 2023-10-23. Review status: criteria provided, single submitter. Criteria: ACMG Guidelines, 2015. Collection method: clinical testing. Allele origin: germline.

Labcorp Genetics (formerly Invitae), Labcorp
Classification: Uncertain significance for Nemaline myopathy 2. Last evaluated: 2022-06-27. Review status: criteria provided, single submitter. Criteria: Invitae Variant Classification Sherloc (09022015). Collection method: clinical testing. Allele origin: germline.
Comment: This sequence change replaces leucine, which is neutral and non-polar, with phenylalanine, which is neutral and non-polar, at codon 7325 of the NEB protein (p.Leu7325Phe). The frequency data for this variant in the population databases is considered unreliable, as metrics indicate poor data quality at this position in the gnomAD database. This variant has not been reported in the literature in individuals affected with NEB-related conditions. Algorithms developed to predict the effect of missense changes on protein structure and function are either unavailable or do not agree on the potential impact of this missense change (SIFT: "Deleterious"; PolyPhen-2: "Not Available"; Align-GVGD: "Class C0"). In summary, the available evidence is currently insufficient to determine the role of this variant in disease. Therefore, it has been classified as a Variant of Uncertain Significance.

Ambry Genetics
Classification: Uncertain significance for Inborn genetic diseases. Last evaluated: 2021-07-20. Review status: criteria provided, single submitter. Criteria: Ambry Variant Classification Scheme 2023. Collection method: clinical testing. Allele origin: germline.

NM_001164508.2(NEB):c.21868C>T (p.Leu7290Phe)

Genes: NEB (nebulin; minus strand), RIF1 (replication timing regulatory factor 1; plus strand). Cytogenetic location: 2q23.3.
Variant type: single nucleotide variant.
Coding change: c.21868C>T on transcript NM_001164508.2 (MANE Select); coding-DNA position 21868, C replaced by T.
Protein change: p.Leu7290Phe; replaces leucine 7290 with phenylalanine.
Molecular consequence: missense variant.
Genome position (GRCh38, 1-based): chr2:151,526,995, G>A on the plus strand (C>T on the coding strand, the complement: NEB is on the minus strand). VCF-style: chr2-151526995-G-A. GRCh37 (hg19) VCF-style: chr2-152383509-G-A.
Other names: c.21868C>T, p.Leu7290Phe (NM_001164507.2); c.21973C>T, p.Leu7325Phe (NM_001271208.2); c.16765C>T, p.Leu5589Phe (NM_004543.5); short protein forms L7325F, L5589F, L7290F.
Identifiers: ClinVar variation 1919399 (VCV001919399.6), dbSNP rs983628895, ClinGen allele CA57627024.
Genomic context (GRCh38, chr2:151,526,995, plus strand): 5'-TATTCCTGAGGGCGAGCACCGTGTTTTTGTCATCAGTGACAGAAAGCTTGCAACCCTTGA[G>A]GAACTCCCGGTCCAGCTTATATTCAAACTGTGATAGAAGAAAGGCAGAAGAAAAGGGAAG-3'
Protein context (NP_001157980.2, residues 7280-7300): DFEYKLDREF[Leu7290Phe]KGCKLSVTDD